The following is an entry in ClinVar:

NM_000390.4(CHM):c.50-1G>C

Gene: CHM (CHM Rab escort protein; minus strand). Cytogenetic location: Xq21.2.
Variant type: single nucleotide variant.
Coding change: c.50-1G>C on transcript NM_000390.4 (MANE Select); the canonical splice acceptor site of the intron before coding-DNA position 50, G replaced by C.
Molecular consequence: splice acceptor variant.
Genome position (GRCh38, 1-based): chrX:86,027,558, C>G on the plus strand (G>C on the coding strand, the complement: CHM is on the minus strand). VCF-style: chrX-86027558-C-G. GRCh37 (hg19) VCF-style: chrX-85282562-C-G.
Other names: c.-391-1G>C (NM_001362519.1, NM_001362518.2); c.-395-1G>C (NM_001362517.1, NM_001320959.1); c.50-1G>C (NM_001145414.4).
Identifiers: ClinVar variation 872426 (VCV000872426.45), dbSNP rs1933881504, ClinGen allele CA413788165.
Genomic context (GRCh38, chrX:86,027,558, plus strand): 5'-CATGCAGAACTCTCCGGCCACTTCTTGAACATGCAGCTGCAATGATGGATTCAGGCAAAC[C>G]TACAAAAACACACACCCGTATCATTTAGAATGTAGAAATATATATATTTTACATAAAATG-3'

ClinVar aggregate classification (germline): Pathogenic. Review status: criteria provided, multiple submitters, no conflicts (2 of 4 stars). 2 submissions from 2 submitters: Pathogenic (2). Last evaluated 2023-07-17.

Submissions (2):

Labcorp Genetics (formerly Invitae), Labcorp
Classification: Pathogenic. Last evaluated: 2023-07-17. Review status: criteria provided, single submitter. Criteria: Invitae Variant Classification Sherloc (09022015). Collection method: clinical testing. Allele origin: germline.
Comment: Disruption of this splice site has been observed in individual(s) with choroideremia (PMID: 10447648, 31922496). For these reasons, this variant has been classified as Pathogenic. Algorithms developed to predict the effect of sequence changes on RNA splicing suggest that this variant may disrupt the consensus splice site. ClinVar contains an entry for this variant (Variation ID: 872426). This variant is also known as IVS1-1 and 80-1. This variant is not present in population databases (gnomAD no frequency). This sequence change affects an acceptor splice site in intron 1 of the CHM gene. It is expected to disrupt RNA splicing. Variants that disrupt the donor or acceptor splice site typically lead to a loss of protein function (PMID: 16199547), and loss-of-function variants in CHM are known to be pathogenic (PMID: 9067750, 23811034).

CeGaT Center for Human Genetics Tuebingen
Classification: Pathogenic. Last evaluated: 2019-04-01. Review status: criteria provided, single submitter. Criteria: CeGaT Center For Human Genetics Tuebingen Variant Classification Criteria Version 2. Collection method: clinical testing. Allele origin: germline. Affected: yes. Observed: 2 variant alleles.

Literature cited by the submitters: PubMed 10447648 (cited by Labcorp Genetics (formerly Invitae), Labcorp); PubMed 31922496 (cited by Labcorp Genetics (formerly Invitae), Labcorp); PubMed 16199547 (cited by Labcorp Genetics (formerly Invitae), Labcorp); PubMed 9067750 (cited by Labcorp Genetics (formerly Invitae), Labcorp); PubMed 23811034 (cited by Labcorp Genetics (formerly Invitae), Labcorp).